The following is an entry in ClinVar:

NM_000426.4(LAMA2):c.5935A>T (p.Asn1979Tyr)

Gene: LAMA2 (laminin subunit alpha 2; plus strand). Cytogenetic location: 6q22.33.
Variant type: single nucleotide variant.
Coding change: c.5935A>T on transcript NM_000426.4 (MANE Select); coding-DNA position 5935, A replaced by T.
Protein change: p.Asn1979Tyr; replaces asparagine 1979 with tyrosine.
Molecular consequence: missense variant.
Genome position (GRCh38, 1-based): chr6:129,427,821, A>T. VCF-style: chr6-129427821-A-T. GRCh37 (hg19) VCF-style: chr6-129748966-A-T.
Other names: c.5935A>T, p.Asn1979Tyr (NM_001079823.2); short protein forms N1979Y.
Identifiers: ClinVar variation 998448 (VCV000998448.6), dbSNP rs1781397416, ClinGen allele CA365624011.

ClinVar aggregate classification (germline): Uncertain significance (1 of 4 stars; one submission).

Conditions:
LAMA2-related muscular dystrophy (LAMA2-RD). Also called: Laminin alpha 2-related dystrophy. Identifiers: MedGen C5679788, MONDO:0100228.

gnomAD v4.1: 1 of 1,613,628 alleles (0.000062%); no homozygotes.

Submission:

Labcorp Genetics (formerly Invitae), Labcorp
Classification: Uncertain significance for LAMA2-related muscular dystrophy. Last evaluated: 2022-02-04. Review status: criteria provided, single submitter. Criteria: Invitae Variant Classification Sherloc (09022015). Collection method: clinical testing. Allele origin: germline.
Comment: This sequence change replaces asparagine, which is neutral and polar, with tyrosine, which is neutral and polar, at codon 1979 of the LAMA2 protein (p.Asn1979Tyr). This variant is not present in population databases (gnomAD no frequency). This variant has not been reported in the literature in individuals affected with LAMA2-related conditions. ClinVar contains an entry for this variant (Variation ID: 998448). Advanced modeling of protein sequence and biophysical properties (such as structural, functional, and spatial information, amino acid conservation, physicochemical variation, residue mobility, and thermodynamic stability) performed at Invitae indicates that this missense variant is not expected to disrupt LAMA2 protein function. In summary, the available evidence is currently insufficient to determine the role of this variant in disease. Therefore, it has been classified as a Variant of Uncertain Significance.